The following is an entry in ClinVar:

NM_001372044.2(SHANK3):c.957del (p.Ile320fs)

Gene: SHANK3 (SH3 and multiple ankyrin repeat domains 3; plus strand). Cytogenetic location: 22q13.33.
Variant type: Deletion.
Coding change: c.957del on transcript NM_001372044.2 (MANE Select); coding-DNA position 957, one base deleted (G; older notation c.957delG).
Protein change: p.Ile320fs; shifts the reading frame from isoleucine 320.
Molecular consequence: frameshift variant.
Genome position (GRCh38, 1-based): chr22:50,679,150, G deleted; the last of 4 consecutive G bases (chr22:50,679,147-50,679,150); deleting any one gives the same sequence. VCF-style (leftmost placement, unchanged base first): chr22-50679146-TG-T. GRCh37 (hg19) VCF-style: chr22-51117574-TG-T.
Other names: short protein forms I320fs.
Identifiers: ClinVar variation 1098333 (VCV001098333.2), dbSNP rs2146772777, ClinGen allele CA2499226244.

ClinVar aggregate classification (germline): Pathogenic (1 of 4 stars; one submission).

Submission:

Genetics Laboratory, UDIAT-Centre Diagnòstic, Hospital Universitari Parc Tauli
Classification: Pathogenic. Last evaluated: 2021-04-26. Review status: criteria provided, single submitter. Criteria: Parc Tauli Hospital Assertion Criteria 2021. Collection method: clinical testing. Allele origin: de novo. Inheritance: Autosomal dominant inheritance. Affected: yes. Observed: 1 heterozygote.
Comment: PVS1_very strong;PM2_supporting;PM6_moderate